The following is an entry in ClinVar:

ClinVar aggregate classification (germline): Uncertain significance (1 of 4 stars; one submission).

Conditions:
Hereditary hemochromatosis (HFE). Identifiers: MedGen C0392514, MONDO:0006507. Disease mechanism: loss of function.

Allele frequency attached by ClinVar (database versions not stated): TOPMed 0.00004; gnomAD 0.00009.
gnomAD v4.1: 125 of 1,613,908 alleles (0.0077%); highest among the groups gnomAD compares: Middle Eastern, 0.016%; 1 homozygote.

Submission:

Labcorp Genetics (formerly Invitae), Labcorp
Classification: Uncertain significance for Hereditary hemochromatosis. Last evaluated: 2022-07-06. Review status: criteria provided, single submitter. Criteria: Invitae Variant Classification Sherloc (09022015). Collection method: clinical testing. Allele origin: germline.
Comment: This sequence change affects codon 11 of the TFR2 mRNA. It is a 'silent' change, meaning that it does not change the encoded amino acid sequence of the TFR2 protein. This variant also falls at the last nucleotide of exon 1, which is part of the consensus splice site for this exon. This variant is present in population databases (rs111840506, gnomAD 0.004%). This variant has not been reported in the literature in individuals affected with TFR2-related conditions. Variants that disrupt the consensus splice site are a relatively common cause of aberrant splicing (PMID: 17576681, 9536098). Algorithms developed to predict the effect of sequence changes on RNA splicing suggest that this variant may disrupt the consensus splice site. In summary, the available evidence is currently insufficient to determine the role of this variant in disease. Therefore, it has been classified as a Variant of Uncertain Significance.

Literature cited by the submitters: PubMed 17576681; PubMed 9536098.

NM_003227.4(TFR2):c.33G>A (p.Ala11=)

Gene: TFR2 (transferrin receptor 2; minus strand). Cytogenetic location: 7q22.1.
Variant type: single nucleotide variant.
Coding change: c.33G>A on transcript NM_003227.4 (MANE Select); coding-DNA position 33, G replaced by A.
Protein change: p.Ala11=; no amino-acid change (alanine 11 retained).
Molecular consequence: synonymous variant.
Genome position (GRCh38, 1-based): chr7:100,641,477, C>T on the plus strand (G>A on the coding strand, the complement: TFR2 is on the minus strand). VCF-style: chr7-100641477-C-T. GRCh37 (hg19) VCF-style: chr7-100239100-C-T.
Identifiers: ClinVar variation 2148437 (VCV002148437.1), dbSNP rs111840506, ClinGen allele CA4386949.
Genomic context (GRCh38, chr7:100,641,477, plus strand): 5'-AGGGGGCTGAGGGACTTAGAGAGAAGGCCTAAGGGGTCTTCCCAATCCCACTAGTCTTAC[C>T]GCTCTCTGGAATAGACCCCAAAGCCGCTCCATGCTTGTGTCCCCTCCTGAAGCCTGCAGG-3'
Protein context (NP_003218.2, residues 1-21): MERLWGLFQR[Ala11=]QQLSPRSSQT